The following is an entry in ClinVar:

NC_000022.11:g.20354995C>T

Variant type: single nucleotide variant.
Genome position: GRCh38 VCF-style: chr22-20354995-C-T. GRCh37 (hg19) VCF-style: chr22-20709285-C-T.
Identifiers: ClinVar variation 2652891 (VCV002652891.24), dbSNP rs1340300249, ClinGen allele CA513390156.
Genomic context (GRCh38, chr22:20,354,995, plus strand): 5'-CGCGAACGAGGATGCCGCCCAGGGCATCGCTAAGGAGGACCCCGTCCAGGGCGTCGCTAA[C>T]GAGGACCCCGTCCAGGGCGTCAATAACGAGGACGCCGTCCAGGGCATCGCTAAGGAGGAC-3'

ClinVar aggregate classification (germline): Likely benign (1 of 4 stars; one submission).

Submission:

CeGaT Center for Human Genetics Tuebingen
Classification: Likely benign. Last evaluated: 2023-01-01. Review status: criteria provided, single submitter. Criteria: CeGaT Center For Human Genetics Tuebingen Variant Classification Criteria Version 2. Collection method: clinical testing. Allele origin: germline. Affected: yes. Observed: 1 variant allele.
Comment: FAM230A: PM2:Supporting, BP4, BP7